The following is an entry in ClinVar:

NM_001267550.2(TTN):c.98544C>G (p.Ser32848=)

Genes: TTN (titin; minus strand), TTN-AS1 (TTN antisense RNA 1; plus strand). Cytogenetic location: 2q31.2.
Variant type: single nucleotide variant.
Coding change: c.98544C>G on transcript NM_001267550.2 (MANE Select); coding-DNA position 98544, C replaced by G.
Protein change: p.Ser32848=; no amino-acid change (serine 32848 retained).
Molecular consequence: synonymous variant. On other transcripts: non-coding transcript variant (1).
Genome position (GRCh38, 1-based): chr2:178,539,521, G>C on the plus strand (C>G on the coding strand, the complement: TTN is on the minus strand). VCF-style: chr2-178539521-G-C. GRCh37 (hg19) VCF-style: chr2-179404248-G-C.
Other names: c.71724C>G, p.Ser23908= (NM_133432.3); c.71925C>G, p.Ser23975= (NM_133437.4); c.93621C>G, p.Ser31207= (NM_001256850.1); c.71349C>G, p.Ser23783= (NM_003319.4); c.90840C>G, p.Ser30280= (NM_133378.4).
Identifiers: ClinVar variation 264135 (VCV000264135.22), dbSNP rs756591209, ClinGen allele CA1986359.

ClinVar aggregate classification (germline): Likely benign. Review status: criteria provided, multiple submitters, no conflicts (2 of 4 stars). 7 submissions from 7 submitters: Likely benign (7). Last evaluated 2026-01-20.

Conditions:
Dilated cardiomyopathy 1G (CMD1G). Identifiers: Orphanet 154, MedGen C1858763, MONDO:0011400, OMIM 604145.
Autosomal recessive limb-girdle muscular dystrophy type 2J (LGMDR10). Also called: Limb-girdle muscular dystrophy, type 2J; MUSCULAR DYSTROPHY, LIMB-GIRDLE, AUTOSOMAL RECESSIVE 10. Identifiers: Orphanet 140922, MedGen C1837342, MONDO:0012127, OMIM 608807.
Cardiovascular phenotype. Identifiers: MedGen CN230736.

Allele frequency attached by ClinVar (database versions not stated): ExAC 0.00003; gnomAD exomes 0.00004 and 0.00016; gnomAD 0.00005 and 0.00006; TOPMed 0.00006.

Submissions (7):

Labcorp Genetics (formerly Invitae), Labcorp
Classification: Likely benign for Dilated cardiomyopathy 1G; Autosomal recessive limb-girdle muscular dystrophy type 2J. Last evaluated: 2026-01-20. Review status: criteria provided, single submitter. Criteria: Invitae Variant Classification Sherloc (09022015). Collection method: clinical testing. Allele origin: germline.

Molecular Diagnostic Laboratory for Inherited Cardiovascular Disease, Montreal Heart Institute
Classification: Likely benign. Last evaluated: 2025-04-09. Review status: criteria provided, single submitter. Criteria: ACMG Guidelines, 2015. Collection method: clinical testing. Allele origin: germline. Affected: no.

Blueprint Genetics
Classification: Likely benign. Last evaluated: 2024-03-06. Review status: criteria provided, single submitter. Criteria: ACMG Guidelines, 2015. Collection method: clinical testing. Allele origin: germline.

Women's Health and Genetics/Laboratory Corporation of America, LabCorp
Classification: Likely benign. Last evaluated: 2021-12-04. Review status: criteria provided, single submitter. Criteria: LabCorp Variant Classification Summary - May 2015. Collection method: clinical testing. Allele origin: germline.

GeneDx
Classification: Likely benign. Last evaluated: 2020-10-16. Review status: criteria provided, single submitter. Criteria: GeneDx Variant Classification Process June 2021. Collection method: clinical testing. Allele origin: germline. Affected: yes.

Laboratory for Molecular Medicine, Mass General Brigham Personalized Medicine
Classification: Likely benign. Last evaluated: 2016-04-26. Review status: criteria provided, single submitter. Criteria: LMM Criteria. Collection method: clinical testing. Allele origin: germline. Observed: 1 variant allele.
Comment: p.Ser30280Ser in exon 301 of TTN: This variant is not expected to have clinical significance because it does not alter an amino acid residue and is not located within the splice consensus sequence. It has been identified in 4/66738 European chromosomes by the Exome Aggregation Consortium (ExAC; dbSNP rs756591209).

Ambry Genetics
Classification: Likely benign for Cardiovascular phenotype. Last evaluated: 2015-06-29. Review status: criteria provided, single submitter. Criteria: Ambry Variant Classification Scheme 2023. Collection method: clinical testing. Allele origin: germline.